The following is an entry in ClinVar:

NM_007254.4(PNKP):c.1155C>G (p.His385Gln)

Gene: PNKP (polynucleotide kinase 3'-phosphatase; minus strand). Cytogenetic location: 19q13.33.
Variant type: single nucleotide variant.
Coding change: c.1155C>G on transcript NM_007254.4 (MANE Select); coding-DNA position 1155, C replaced by G.
Protein change: p.His385Gln; replaces histidine 385 with glutamine.
Molecular consequence: missense variant.
Genome position (GRCh38, 1-based): chr19:49,862,077, G>C on the plus strand (C>G on the coding strand, the complement: PNKP is on the minus strand). VCF-style: chr19-49862077-G-C. GRCh37 (hg19) VCF-style: chr19-50365334-G-C.
Other names: p.His385Gln; short protein forms H385Q.
Identifiers: ClinVar variation 3380633 (VCV003380633.1).
Genomic context (GRCh38, chr19:49,862,077, plus strand): 5'-TTTGGGGCGGCAAAAGCCTGGTCATACCCTGTTCACGTGGACATATCCGGCCGACACGAG[G>C]TGCTTCTTGAGAAAGGTGGACTTCCCGGCTGTGTGGGGGGCAGTGTCGGTGGGTGGCCTA-3'
Protein context (NP_009185.2, residues 375-395): GAGKSTFLKK[His385Gln]LVSAGYVHVN

ClinVar aggregate classification (germline): Uncertain significance (1 of 4 stars; one submission).

Submission:

Mayo Clinic Laboratories, Mayo Clinic
Classification: Uncertain significance. Last evaluated: 2024-04-25. Review status: criteria provided, single submitter. Criteria: ACMG Guidelines, 2015. Collection method: clinical testing. Allele origin: germline. Observed: 1 variant allele.
Comment: BP4, PM2_moderate